The following is an entry in ClinVar:

NM_002439.5(MSH3):c.1004C>A (p.Thr335Lys)

Genes: MSH3 (mutS homolog 3; plus strand), LOC126807437 (MED14-independent group 3 enhancer GRCh37_chr5:79968379-79969578; plus strand). Cytogenetic location: 5q14.1.
Variant type: single nucleotide variant.
Coding change: c.1004C>A on transcript NM_002439.5 (MANE Select); coding-DNA position 1004, C replaced by A.
Protein change: p.Thr335Lys; replaces threonine 335 with lysine.
Molecular consequence: missense variant.
Genome position (GRCh38, 1-based): chr5:80,672,835, C>A. VCF-style: chr5-80672835-C-A. GRCh37 (hg19) VCF-style: chr5-79968654-C-A.
Other names: short protein forms T335K.
Identifiers: ClinVar variation 1778046 (VCV001778046.2), dbSNP rs2546722981, ClinGen allele CA360267514.

ClinVar aggregate classification (germline): Uncertain significance (1 of 4 stars; one submission).

Conditions:
Hereditary cancer-predisposing syndrome. Also called: Neoplastic Syndromes, Hereditary; Tumor predisposition; Hereditary Cancer Syndrome; Hereditary neoplastic syndrome. Identifiers: Orphanet 140162, MedGen C0027672, MeSH D009386, MONDO:0015356.

Submission:

Ambry Genetics
Classification: Uncertain significance for Hereditary cancer-predisposing syndrome. Last evaluated: 2021-03-23. Review status: criteria provided, single submitter. Criteria: Ambry Variant Classification Scheme 2023. Collection method: clinical testing. Allele origin: germline.
Comment: The p.T335K variant (also known as c.1004C>A), located in coding exon 6 of the MSH3 gene, results from a C to A substitution at nucleotide position 1004. The threonine at codon 335 is replaced by lysine, an amino acid with similar properties. This amino acid position is highly conserved in available vertebrate species. In addition, this alteration is predicted to be deleterious by in silico analysis. Since supporting evidence is limited at this time, the clinical significance of this alteration remains unclear.